The following is an entry in ClinVar:

NM_001909.5(CTSD):c.152C>G (p.Pro51Arg)

Genes: PRADX (PRC2 and DDX5 associated lncRNA; plus strand), CTSD (cathepsin D; minus strand). Cytogenetic location: 11p15.5.
Variant type: single nucleotide variant.
Coding change: c.152C>G on transcript NM_001909.5 (MANE Select); coding-DNA position 152, C replaced by G.
Protein change: p.Pro51Arg; replaces proline 51 with arginine.
Molecular consequence: missense variant.
Genome position (GRCh38, 1-based): chr11:1,761,385, G>C on the plus strand (C>G on the coding strand, the complement: CTSD is on the minus strand). VCF-style: chr11-1761385-G-C. GRCh37 (hg19) VCF-style: chr11-1782615-G-C.
Other names: short protein forms P51R.
Identifiers: ClinVar variation 1439058 (VCV001439058.3), dbSNP rs2133666262, ClinGen allele CA379099703.
Genomic context (GRCh38, chr11:1,761,385, plus strand): 5'-AGCACCTCGGGAATGGGCCCCTCGGTCACGGCTGGCACCGCCTGGGAGTACTTTGAGACG[G>C]GGCCTTTGGCAATCAGGTCCTCCACAGAGCCCCCAACCTCCGACATGGTCCGGCGGATGG-3'
Protein context (NP_001900.1, residues 41-61): GSVEDLIAKG[Pro51Arg]VSKYSQAVPA

ClinVar aggregate classification (germline): Uncertain significance (1 of 4 stars; one submission).

Conditions:
Neuronal ceroid lipofuscinosis. Also called: Neuronal Ceroid Lipofuscinoses. Identifiers: Orphanet 216, Orphanet 79263, MedGen C0027877, MONDO:0016295. Disease mechanism: loss of function.

Allele frequency attached by ClinVar (database versions not stated): gnomAD exomes below 0.00001.

Submission:

Labcorp Genetics (formerly Invitae), Labcorp
Classification: Uncertain significance for Neuronal ceroid lipofuscinosis. Last evaluated: 2021-10-09. Review status: criteria provided, single submitter. Criteria: Invitae Variant Classification Sherloc (09022015). Collection method: clinical testing. Allele origin: germline.
Comment: This sequence change replaces proline with arginine at codon 51 of the CTSD protein (p.Pro51Arg). The proline residue is moderately conserved and there is a moderate physicochemical difference between proline and arginine. This variant is not present in population databases (ExAC no frequency). This variant has not been reported in the literature in individuals affected with CTSD-related conditions. Algorithms developed to predict the effect of missense changes on protein structure and function (SIFT, PolyPhen-2, Align-GVGD) all suggest that this variant is likely to be tolerated. In summary, the available evidence is currently insufficient to determine the role of this variant in disease. Therefore, it has been classified as a Variant of Uncertain Significance.